The following is an entry in ClinVar:

NM_007348.4(ATF6):c.1209G>T (p.Arg403Ser)

Gene: ATF6 (activating transcription factor 6; plus strand). Cytogenetic location: 1q23.3.
Variant type: single nucleotide variant.
Coding change: c.1209G>T on transcript NM_007348.4 (MANE Select); coding-DNA position 1209, G replaced by T.
Protein change: p.Arg403Ser; replaces arginine 403 with serine.
Molecular consequence: missense variant.
Genome position (GRCh38, 1-based): chr1:161,846,470, G>T. VCF-style: chr1-161846470-G-T. GRCh37 (hg19) VCF-style: chr1-161816260-G-T.
Other names: c.1209G>T, p.Arg403Ser (NM_001410890.1); short protein forms R403S.
Identifiers: ClinVar variation 1716082 (VCV001716082.5), dbSNP rs1234446135, ClinGen allele CA343378586.

ClinVar aggregate classification (germline): Uncertain significance (1 of 4 stars; one submission).

Allele frequency attached by ClinVar (database versions not stated): gnomAD exomes below 0.00001.
gnomAD v4.1: 2 of 1,605,704 alleles (0.00012%); highest among the groups gnomAD compares: Admixed American, 0.0017%; no homozygotes.

Submission:

Labcorp Genetics (formerly Invitae), Labcorp
Classification: Uncertain significance. Last evaluated: 2022-08-10. Review status: criteria provided, single submitter. Criteria: Invitae Variant Classification Sherloc (09022015). Collection method: clinical testing. Allele origin: germline.
Comment: In summary, the available evidence is currently insufficient to determine the role of this variant in disease. Therefore, it has been classified as a Variant of Uncertain Significance. Algorithms developed to predict the effect of missense changes on protein structure and function output the following: SIFT: "Tolerated"; PolyPhen-2: "Benign"; Align-GVGD: "Class C0". The serine amino acid residue is found in multiple mammalian species, which suggests that this missense change does not adversely affect protein function. This variant has not been reported in the literature in individuals affected with ATF6-related conditions. This variant is present in population databases (no rsID available, gnomAD no frequency). This sequence change replaces arginine, which is basic and polar, with serine, which is neutral and polar, at codon 403 of the ATF6 protein (p.Arg403Ser).